The following is an entry in ClinVar:

ClinVar aggregate classification (germline): Uncertain significance (1 of 4 stars; one submission).

Conditions:
Autoimmune interstitial lung disease-arthritis syndrome. Also called: Autoinflammation and autoimmunity, systemic, with immune dysregulation. Identifiers: Orphanet 444092, MedGen C5975714, MONDO:0014629.

gnomAD v4.1: 17 of 1,613,490 alleles (0.0011%); highest among the groups gnomAD compares: Non-Finnish European, 0.0013%; no homozygotes.

Submission:

Labcorp Genetics (formerly Invitae), Labcorp
Classification: Uncertain significance for Autoimmune interstitial lung disease-arthritis syndrome. Last evaluated: 2025-07-21. Review status: criteria provided, single submitter. Criteria: Invitae Variant Classification Sherloc (09022015). Collection method: clinical testing. Allele origin: germline.
Comment: This sequence change replaces threonine, which is neutral and polar, with asparagine, which is neutral and polar, at codon 806 of the COPA protein (p.Thr806Asn). This variant is not present in population databases (gnomAD no frequency). This variant has not been reported in the literature in individuals affected with COPA-related conditions. Invitae Evidence Modeling of protein sequence and biophysical properties (such as structural, functional, and spatial information, amino acid conservation, physicochemical variation, residue mobility, and thermodynamic stability) indicates that this missense variant is not expected to disrupt COPA protein function with a negative predictive value of 80%. In summary, the available evidence is currently insufficient to determine the role of this variant in disease. Therefore, it has been classified as a Variant of Uncertain Significance.

NM_004371.4(COPA):c.2417C>A (p.Thr806Asn)

Gene: COPA (coat protein complex I subunit alpha; minus strand). Cytogenetic location: 1q23.2.
Variant type: single nucleotide variant.
Coding change: c.2417C>A on transcript NM_004371.4 (MANE Select); coding-DNA position 2417, C replaced by A.
Protein change: p.Thr806Asn; replaces threonine 806 with asparagine.
Molecular consequence: missense variant.
Genome position (GRCh38, 1-based): chr1:160,295,795, G>T on the plus strand (C>A on the coding strand, the complement: COPA is on the minus strand). VCF-style: chr1-160295795-G-T. GRCh37 (hg19) VCF-style: chr1-160265585-G-T.
Other names: c.2444C>A, p.Thr815Asn (NM_001098398.2); short protein forms T815N, T806N.
Identifiers: ClinVar variation 4747815 (VCV004747815.1).